The following is an entry in ClinVar:

ClinVar aggregate classification (germline): Uncertain significance (1 of 4 stars; one submission).

Conditions:
Familial isolated arrhythmogenic right ventricular dysplasia. Identifiers: Orphanet 217656, MedGen C4274968, MONDO:0016342.

Submission:

All of Us Research Program, National Institutes of Health
Classification: Uncertain significance for Familial isolated arrhythmogenic right ventricular dysplasia. Last evaluated: 2023-09-17. Review status: criteria provided, single submitter. Criteria: ACMG Guidelines, 2015. Collection method: clinical testing. Allele origin: germline. Inheritance: Autosomal dominant inheritance. Observed: 1 variant allele, 1 heterozygote.
Comment: This missense variant replaces leucine with methionine at codon 227 of the DSC2 protein. Computational prediction suggests that this variant may not impact protein structure and function (internally defined REVEL score threshold <= 0.5, PMID: 27666373). To our knowledge, functional studies have not been reported for this variant. This variant has not been reported in individuals affected with DSC2-related disorders in the literature. This variant has not been identified in the general population by the Genome Aggregation Database (gnomAD). The available evidence is insufficient to determine the role of this variant in disease conclusively. Therefore, this variant is classified as a Variant of Uncertain Significance.

This study involves interpretation of variants in research participants for the purpose of population health screening. Participant phenotype was not available at the time of variant classification. Additional details can be found in publication PMID: 35346344, PMCID: PMC8962531

NM_024422.6(DSC2):c.679C>A (p.Leu227Met)

Gene: DSC2 (desmocollin 2; minus strand). Cytogenetic location: 18q12.1.
Variant type: single nucleotide variant.
Coding change: c.679C>A on transcript NM_024422.6 (MANE Select); coding-DNA position 679, C replaced by A.
Protein change: p.Leu227Met; replaces leucine 227 with methionine.
Molecular consequence: missense variant.
Genome position (GRCh38, 1-based): chr18:31,087,765, G>T on the plus strand (C>A on the coding strand, the complement: DSC2 is on the minus strand). VCF-style: chr18-31087765-G-T. GRCh37 (hg19) VCF-style: chr18-28667728-G-T.
Other names: c.250C>A, p.Leu84Met (NM_001406506.1, NM_001406507.1); c.679C>A, p.Leu227Met (NM_004949.5); short protein forms L227M, L84M.
Identifiers: ClinVar variation 3073500 (VCV003073500.1), dbSNP rs2510952520, ClinGen allele CA402112986.